The following is an entry in ClinVar:

ClinVar aggregate classification (germline): Uncertain significance (1 of 4 stars; one submission).

Conditions:
MHC class II deficiency. Also called: Bare lymphocyte syndrome 2; BLS, TYPE II. Identifiers: Orphanet 572, MedGen C5447452, MONDO:0008855.

Allele frequency attached by ClinVar (database versions not stated): gnomAD exomes below 0.00001.
gnomAD v4.1: 1 of 1,602,386 alleles (0.000062%); highest among the groups gnomAD compares: Non-Finnish European, 0.000085%; no homozygotes.

Submission:

Labcorp Genetics (formerly Invitae), Labcorp
Classification: Uncertain significance for MHC class II deficiency. Last evaluated: 2021-10-21. Review status: criteria provided, single submitter. Criteria: Invitae Variant Classification Sherloc (09022015). Collection method: clinical testing. Allele origin: germline.
Comment: In summary, the available evidence is currently insufficient to determine the role of this variant in disease. Therefore, it has been classified as a Variant of Uncertain Significance. Algorithms developed to predict the effect of missense changes on protein structure and function are either unavailable or do not agree on the potential impact of this missense change (SIFT: "Deleterious"; PolyPhen-2: "Probably Damaging"; Align-GVGD: "Class C0"). This variant has not been reported in the literature in individuals affected with RFXAP-related conditions. This variant is not present in population databases (ExAC no frequency). This sequence change replaces glutamine with arginine at codon 156 of the RFXAP protein (p.Gln156Arg). The glutamine residue is highly conserved and there is a small physicochemical difference between glutamine and arginine.

NM_000538.4(RFXAP):c.467A>G (p.Gln156Arg)

Genes: RFXAP (regulatory factor X associated protein; plus strand), LOC130009575 (ATAC-STARR-seq lymphoblastoid active region 7590; plus strand). Cytogenetic location: 13q13.3.
Variant type: single nucleotide variant.
Coding change: c.467A>G on transcript NM_000538.4 (MANE Select); coding-DNA position 467, A replaced by G.
Protein change: p.Gln156Arg; replaces glutamine 156 with arginine.
Molecular consequence: missense variant.
Genome position (GRCh38, 1-based): chr13:36,819,824, A>G. VCF-style: chr13-36819824-A-G. GRCh37 (hg19) VCF-style: chr13-37393961-A-G.
Other names: short protein forms Q156R.
Identifiers: ClinVar variation 572132 (VCV000572132.7), dbSNP rs1566318990, ClinGen allele CA387855649.